The following is an entry in ClinVar:

NM_000070.3(CAPN3):c.1782G>A (p.Val594=)

Gene: CAPN3 (calpain 3; plus strand). Cytogenetic location: 15q15.1.
Variant type: single nucleotide variant.
Coding change: c.1782G>A on transcript NM_000070.3 (MANE Select); coding-DNA position 1782, G replaced by A.
Protein change: p.Val594=; no amino-acid change (valine 594 retained).
Molecular consequence: synonymous variant.
Genome position (GRCh38, 1-based): chr15:42,403,777, G>A. VCF-style: chr15-42403777-G-A. GRCh37 (hg19) VCF-style: chr15-42695975-G-A.
Other names: NM_000070.3(CAPN3):c.1782G>A; p.Val594=; c.1782G>A, p.Val594= (NM_024344.2); c.1638G>A, p.Val546= (NM_173087.2); c.246G>A, p.Val82= (NM_173088.2); c.*898G>A (NM_212464.2); c.*1475G>A (NM_212467.2).
Identifiers: ClinVar variation 2738034 (VCV002738034.6), dbSNP rs2548281168, ClinGen allele CA489885243.

ClinVar aggregate classification (germline): Likely pathogenic. Review status: reviewed by expert panel (3 of 4 stars). 4 submissions from 4 submitters: Likely pathogenic (1). 3 of the submissions do not count toward it. Last evaluated 2026-04-01.

Conditions:
Autosomal recessive limb-girdle muscular dystrophy type 2A (LGMDR1). Also called: LEYDEN-MOEBIUS MUSCULAR DYSTROPHY; MUSCULAR DYSTROPHY, PELVOFEMORAL; Limb-girdle muscular dystrophy, type 2A; Calpainopathy; Muscular dystrophy, limb-girdle, type 2A, Amish. Identifiers: Orphanet 267, MedGen C1869123, MONDO:0009675, OMIM 253600. Disease mechanism: loss of function.
Autosomal recessive limb-girdle muscular dystrophy. Identifiers: Orphanet 102015, MedGen C2931907, MONDO:0015152.

Allele frequency attached by ClinVar (database versions not stated): gnomAD exomes below 0.00001.
gnomAD v4.1: 2 of 1,613,954 alleles (0.00012%); highest among the groups gnomAD compares: Non-Finnish European, 0.00017%; no homozygotes.

Submissions (4):

ClinGen Limb Girdle Muscular Dystrophy Variant Curation Expert Panel, ClinGen
Classification: Likely pathogenic for Autosomal recessive limb-girdle muscular dystrophy. Last evaluated: 2026-04-01. Review status: reviewed by expert panel. Criteria: ClinGen LGMD VCEP ACMG Specifications CAPN3 V2.0.0. Collection method: curation. Allele origin: germline. Inheritance: Autosomal recessive inheritance.
Comment: The NM_000070.3: c.1782G>A variant in CAPN3 is a synonymous variant that is not expected to influence the protein amino acid sequence, p.(Val594=) but affects the last nucleotide of exon 14. SpliceAI gives a delta score of 0.68 for loss of the canonical splice donor site for exon 14 and 0.63 for loss of the canonical acceptor, suggesting it may affect splicing. RNAseq analysis on RNA from blood from a carrier of this variant has demonstrated that it causes near-complete missplicing, including skipping of exons 14 and 15 as well as of exons 14-16. Both of these exon skipping events are expected to introduce a frameshift and premature truncation with nonsense mediated decay expected (ClinVar SCV006324308.1 internal data communication; PVS1_RNA_Strong). In skeletal muscle, it may be associated with skipping of exon 14 only, which would also be expected to introduce a frameshift, premature truncation, and nonsense-mediated decay. This variant has been observed in a heterozygous state in at least two individuals with progressive limb girdle muscle weakness, including in unconfirmed phase with a pathogenic variant (c.2362_2363delinsTCATCT p.(Arg788SerfsTer14), 0.5 pts, GRASP-LGMD Consortium internal data communication) and confirmed in trans with a VUS (0.25 pts, ClinVar SCV006324308.1 internal data communication) (PM3_Supporting, PP4). The Grpmax variant allele frequency in gnomAD v4.1.0 is 0.000001695 (2/1179864 European (non-Finnish) alleles), which is less than the VCEP threshold (0.0001), meeting the criterion for PM2_Supporting. In summary, this variant meets the criteria to be classified as Likely Pathogenic for autosomal recessive limb girdle muscular dystrophy based on the ACMG/AMP criteria applied, as specified by the ClinGen LGMD VCEP (LGMD VCEP specifications version 2.0.0; 04/01/2026): PVS1_Strong_RNA, PM3_Supporting, PP4, PM2_Supporting.

Concord Molecular Medicine Laboratory, Concord Repatriation General Hospital
Classification: Likely pathogenic for Autosomal recessive limb-girdle muscular dystrophy type 2A. Last evaluated: 2025-09-11. Review status: criteria provided, single submitter. Criteria: Walker et al. (Am J Hum Genet. 2023). Collection method: clinical testing. Allele origin: maternal. Inheritance: Autosomal recessive inheritance. Affected: yes. Observed: 1 compound heterozygote. Not counted in ClinVar's aggregate classification.
Comment: The c.1782G>A variant is a synonymous variant at the last coding nucleotide of exon 14. This variant is predicted to have a damaging effect on the canonical donor splice site (Splice AI score 0.68). The variant is absent in control population database (gnomAD v4.1.0; PM2_supporting). RNA studies showed near complete mis-splicing, including exon 14-15 skipping and exon 14-15-16 skipping of the CAPN3 transcript (PVS1_RNA_strong).

Revvity Omics, Revvity
Classification: Uncertain significance. Last evaluated: 2024-12-20. Review status: criteria provided, single submitter. Criteria: ACMG Guidelines, 2015. Collection method: clinical testing. Allele origin: germline. Not counted in ClinVar's aggregate classification.

Labcorp Genetics (formerly Invitae), Labcorp
Classification: Uncertain significance for Autosomal recessive limb-girdle muscular dystrophy type 2A. Last evaluated: 2023-06-23. Review status: criteria provided, single submitter. Criteria: Invitae Variant Classification Sherloc (09022015). Collection method: clinical testing. Allele origin: germline. Not counted in ClinVar's aggregate classification.
Comment: This sequence change affects codon 594 of the CAPN3 mRNA. It is a 'silent' change, meaning that it does not change the encoded amino acid sequence of the CAPN3 protein. This variant also falls at the last nucleotide of exon 14, which is part of the consensus splice site for this exon. In summary, the available evidence is currently insufficient to determine the role of this variant in disease. Therefore, it has been classified as a Variant of Uncertain Significance. Variants that disrupt the consensus splice site are a relatively common cause of aberrant splicing (PMID: 17576681, 9536098). Algorithms developed to predict the effect of sequence changes on RNA splicing suggest that this variant may disrupt the consensus splice site. This variant has not been reported in the literature in individuals affected with CAPN3-related conditions. This variant is not present in population databases (gnomAD no frequency).

Literature cited by the submitters: PubMed 17576681 (cited by Labcorp Genetics (formerly Invitae), Labcorp); PubMed 9536098 (cited by Labcorp Genetics (formerly Invitae), Labcorp).